The following is an entry in ClinVar:

NM_000368.5(TSC1):c.738-4A>G

Gene: TSC1 (TSC complex subunit 1; minus strand). Cytogenetic location: 9q34.13.
Variant type: single nucleotide variant.
Coding change: c.738-4A>G on transcript NM_000368.5 (MANE Select); 4 bases into the intron before coding-DNA position 738, A replaced by G.
Molecular consequence: intron variant.
Genome position (GRCh38, 1-based): chr9:132,912,461, T>C on the plus strand (A>G on the coding strand, the complement: TSC1 is on the minus strand). VCF-style: chr9-132912461-T-C. GRCh37 (hg19) VCF-style: chr9-135787848-T-C.
Other names: c.375-4A>G (NM_001406620.1, NM_001406618.1, NM_001406625.1 and 10 more transcripts); c.585-4A>G (NM_001406613.1, NM_001406612.1, NM_001406610.1 and 2 more transcripts); c.-214-4A>G (NM_001406627.1, NM_001406628.1, NM_001406626.1); c.-356-4A>G (NM_001406629.1, NM_001406630.1); c.738-4A>G (NM_001406603.1, NM_001406609.1, NM_001406597.1 and 16 more transcripts).
Identifiers: ClinVar variation 4071171 (VCV004071171.1).

ClinVar aggregate classification (germline): Likely benign (1 of 4 stars; one submission).

Conditions:
Tuberous sclerosis 1 (TSC1). Identifiers: Orphanet 805, MedGen C1854465, MONDO:0008612, OMIM 191100.

gnomAD v4.1: 1 of 1,614,160 alleles (0.000062%); highest among the groups gnomAD compares: Non-Finnish European, 0.000085%; no homozygotes.

Submission:

Myriad Genetics, Inc.
Classification: Likely benign for Tuberous sclerosis 1. Last evaluated: 2025-04-08. Review status: criteria provided, single submitter. Criteria: Myriad Autosomal Dominant, Autosomal Recessive and X-Linked Classification Criteria (2023). Collection method: clinical testing. Allele origin: unknown.
Comment: This variant is considered likely benign. This variant is intronic and is not expected to impact mRNA splicing.